The following is an entry in ClinVar:

ClinVar aggregate classification (germline): Uncertain significance. Review status: criteria provided, multiple submitters, no conflicts (2 of 4 stars). 2 submissions from 2 submitters: Uncertain significance (2). Last evaluated 2022-03-15.

Conditions:
Neuronal ceroid lipofuscinosis. Also called: Neuronal Ceroid Lipofuscinoses. Identifiers: Orphanet 216, Orphanet 79263, MedGen C0027877, MONDO:0016295. Disease mechanism: loss of function.

Allele frequency attached by ClinVar (database versions not stated): gnomAD exomes below 0.00001.

Submissions (2):

GeneDx
Classification: Uncertain significance. Last evaluated: 2022-03-15. Review status: criteria provided, single submitter. Criteria: GeneDx Variant Classification Process June 2021. Collection method: clinical testing. Allele origin: germline. Affected: yes.
Comment: Not observed at significant frequency in large population cohorts (gnomAD); In silico analysis supports that this missense variant does not alter protein structure/function; Has not been previously published as pathogenic or benign to our knowledge

Labcorp Genetics (formerly Invitae), Labcorp
Classification: Uncertain significance for Neuronal ceroid lipofuscinosis. Last evaluated: 2021-11-06. Review status: criteria provided, single submitter. Criteria: Invitae Variant Classification Sherloc (09022015). Collection method: clinical testing. Allele origin: germline.
Comment: This sequence change replaces aspartic acid, which is acidic and polar, with glutamic acid, which is acidic and polar, at codon 14 of the CLN5 protein (p.Asp14Glu). This variant is present in population databases (no rsID available, gnomAD 0.006%). This variant has not been reported in the literature in individuals affected with CLN5-related conditions. Algorithms developed to predict the effect of missense changes on protein structure and function output the following: SIFT: "Deleterious"; PolyPhen-2: "Benign"; Align-GVGD: "Class C0". The glutamic acid amino acid residue is found in multiple mammalian species, which suggests that this missense change does not adversely affect protein function. In summary, the available evidence is currently insufficient to determine the role of this variant in disease. Therefore, it has been classified as a Variant of Uncertain Significance.

NC_000013.11:g.76991993C>G

Gene: CLN5 (CLN5 lysosomal BMP synthase; plus strand). Cytogenetic location: 13q22.3.
Variant type: single nucleotide variant.
Molecular consequence: missense variant (on NM_006493.2).
Genome position: GRCh38 VCF-style: chr13-76991993-C-G. GRCh37 (hg19) VCF-style: chr13-77566128-C-G.
Other names: c.42C>G, p.Asp14Glu (NM_006493.2); short protein forms D14E.
Identifiers: ClinVar variation 1391726 (VCV001391726.5), dbSNP rs1259746826, ClinGen allele CA388305729.